The following is an entry in ClinVar:

ClinVar aggregate classification (germline): Uncertain significance. Review status: criteria provided, multiple submitters, no conflicts (2 of 4 stars). 2 submissions from 2 submitters: Uncertain significance (2). Last evaluated 2024-10-17.

Conditions:
BICC1-related disorder. Also called: BICC1-related condition.
Renal dysplasia, cystic, susceptibility to. Identifiers: MedGen C3275898, MONDO:0011037, OMIM 601331.

Submissions (2):

PreventionGenetics, part of Exact Sciences
Classification: Uncertain significance for BICC1-related condition. Last evaluated: 2024-10-17. Review status: criteria provided, single submitter. Criteria: ACMG Guidelines, 2015. Collection method: clinical testing. Allele origin: germline.
Comment: The BICC1 c.598C>T variant is predicted to result in the amino acid substitution p.Arg200Trp. To our knowledge, this variant has not been reported in the literature. This variant is reported in 0.00089% of alleles in individuals of European (Non-Finnish) descent in gnomAD. At this time, the clinical significance of this variant is uncertain due to the absence of conclusive functional and genetic evidence.

Fulgent Genetics
Classification: Uncertain significance for Renal dysplasia, cystic, susceptibility to. Last evaluated: 2024-03-04. Review status: criteria provided, single submitter. Criteria: ACMG Guidelines, 2015. Collection method: clinical testing. Allele origin: germline.

NM_001080512.3(BICC1):c.598C>T (p.Arg200Trp)

Gene: BICC1 (BicC family RNA binding protein 1; plus strand). Cytogenetic location: 10q21.1.
Variant type: single nucleotide variant.
Coding change: c.598C>T on transcript NM_001080512.3 (MANE Select); coding-DNA position 598, C replaced by T.
Protein change: p.Arg200Trp; replaces arginine 200 with tryptophan.
Molecular consequence: missense variant.
Genome position (GRCh38, 1-based): chr10:58,788,421, C>T. VCF-style: chr10-58788421-C-T. GRCh37 (hg19) VCF-style: chr10-60548181-C-T.
Other names: c.598C>T (NM_001080512.2); short protein forms R200W.
Identifiers: ClinVar variation 3595932 (VCV003595932.2).